The following is an entry in ClinVar:

ClinVar aggregate classification (germline): Likely benign (1 of 4 stars; one submission).

gnomAD v4.1: 31 of 1,602,536 alleles (0.0019%); highest among the groups gnomAD compares: Middle Eastern, 0.017%; 1 homozygote.

Submission:

CeGaT Center for Human Genetics Tuebingen
Classification: Likely benign. Last evaluated: 2025-11-01. Review status: criteria provided, single submitter. Criteria: CeGaT Center For Human Genetics Tuebingen Variant Classification Criteria Version 2. Collection method: clinical testing. Allele origin: germline. Affected: yes. Observed: 1 variant allele.
Comment: NR4A2: BP4, BP7

NM_006186.4(NR4A2):c.1041G>A (p.Ser347=)

Gene: NR4A2 (nuclear receptor subfamily 4 group A member 2; minus strand). Cytogenetic location: 2q24.1.
Variant type: single nucleotide variant.
Coding change: c.1041G>A on transcript NM_006186.4 (MANE Select); coding-DNA position 1041, G replaced by A.
Protein change: p.Ser347=; no amino-acid change (serine 347 retained).
Molecular consequence: synonymous variant.
Genome position (GRCh38, 1-based): chr2:156,327,968, C>T on the plus strand (G>A on the coding strand, the complement: NR4A2 is on the minus strand). VCF-style: chr2-156327968-C-T. GRCh37 (hg19) VCF-style: chr2-157184480-C-T.
Other names: c.852G>A, p.Ser284= (NM_173173.3).
Identifiers: ClinVar variation 4533989 (VCV004533989.6).
Genomic context (GRCh38, chr2:156,327,968, plus strand): 5'-GGCACTGATCAGACTCACCGGGGGCGAAGGGGGAGAGGGCTCCTGTGGGCTCTTCGGTTT[C>T]GAGGGCAAACGACCTCTCCGGCCTTTTAAACTGTCTGTGCGAACCACTGCAAAGGAAGAG-3'
Protein context (NP_006177.1, residues 337-357): SLKGRRGRLP[Ser347=]KPKSPQEPSP